The following is an entry in ClinVar:

NM_030973.4(MED25):c.98A>G (p.Glu33Gly)

Gene: MED25 (mediator complex subunit 25; plus strand). Cytogenetic location: 19q13.33.
Variant type: single nucleotide variant.
Coding change: c.98A>G on transcript NM_030973.4 (MANE Select); coding-DNA position 98, A replaced by G.
Protein change: p.Glu33Gly; replaces glutamic acid 33 with glycine.
Molecular consequence: missense variant.
Genome position (GRCh38, 1-based): chr19:49,818,439, A>G. VCF-style: chr19-49818439-A-G. GRCh37 (hg19) VCF-style: chr19-50321696-A-G.
Other names: c.98A>G, p.Glu33Gly (NM_001378355.1); short protein forms E33G.
Identifiers: ClinVar variation 2179621 (VCV002179621.5), dbSNP rs1055260585, ClinGen allele CA309504092.

ClinVar aggregate classification (germline): Uncertain significance. Review status: criteria provided, multiple submitters, no conflicts (2 of 4 stars). 2 submissions from 2 submitters: Uncertain significance (2). Last evaluated 2026-01-19.

Conditions:
Inborn genetic diseases. Identifiers: MedGen C0950123, MeSH D030342.
Charcot-Marie-Tooth disease type 2. Also called: Charcot-Marie-Tooth type 2. Identifiers: Orphanet 64746, MedGen C0270914, MONDO:0018993.

Allele frequency attached by ClinVar (database versions not stated): TOPMed 0.00002; gnomAD exomes 0.00001.
gnomAD v4.1: 15 of 1,613,880 alleles (0.00093%); highest among the groups gnomAD compares: Admixed American, 0.005%; no homozygotes.

Submissions (2):

Labcorp Genetics (formerly Invitae), Labcorp
Classification: Uncertain significance for Charcot-Marie-Tooth disease type 2. Last evaluated: 2026-01-19. Review status: criteria provided, single submitter. Criteria: Invitae Variant Classification Sherloc (09022015). Collection method: clinical testing. Allele origin: germline.
Comment: This sequence change replaces glutamic acid, which is acidic and polar, with glycine, which is neutral and non-polar, at codon 33 of the MED25 protein (p.Glu33Gly). This variant is present in population databases (no rsID available, gnomAD 0.009%). This variant has not been reported in the literature in individuals affected with MED25-related conditions. ClinVar contains an entry for this variant (Variation ID: 2179621). An algorithm developed to predict the effect of missense changes on protein structure and function (PolyPhen-2) suggests that this variant is likely to be disruptive. In summary, the available evidence is currently insufficient to determine the role of this variant in disease. Therefore, it has been classified as a Variant of Uncertain Significance.

Ambry Genetics
Classification: Uncertain significance for Inborn genetic diseases. Last evaluated: 2025-08-09. Review status: criteria provided, single submitter. Criteria: Ambry Variant Classification Scheme 2023. Collection method: clinical testing. Allele origin: germline.